The following is an entry in ClinVar:

NM_004036.5(ADCY3):c.675G>A (p.Glu225=)

Gene: ADCY3 (adenylate cyclase 3; minus strand). Cytogenetic location: 2p23.3.
Variant type: single nucleotide variant.
Coding change: c.675G>A on transcript NM_004036.5 (MANE Select); coding-DNA position 675, G replaced by A.
Protein change: p.Glu225=; no amino-acid change (glutamic acid 225 retained).
Molecular consequence: synonymous variant.
Genome position (GRCh38, 1-based): chr2:24,918,313, C>T on the plus strand (G>A on the coding strand, the complement: ADCY3 is on the minus strand). VCF-style: chr2-24918313-C-T. GRCh37 (hg19) VCF-style: chr2-25141182-C-T.
Other names: c.675G>A, p.Glu225= (NM_001320613.2, NM_001377128.1, NM_001377129.1 and 2 more transcripts).
Identifiers: ClinVar variation 4984455 (VCV004984455.1).
Genomic context (GRCh38, chr2:24,918,313, plus strand): 5'-TCCCAAGTTGGTGAGAGCTGCAGGAGAGGACGCTGTGGGGGGACAGTGGGCAGGACTCAC[C>T]TCCCGCAGCAGCTGCATCCCCTTGAGCTCCTCCTGCTGCTGCTGGGCCACGGTGACCCCC-3'
Protein context (NP_004027.2, residues 215-235): EELKGMQLLR[Glu225=]ILANVFLYLC

ClinVar aggregate classification (germline): Likely benign (1 of 4 stars; one submission).

Conditions:
ADCY3-related disorder. Also called: ADCY3-related condition.

Submission:

PreventionGenetics, part of Exact Sciences
Classification: Likely benign for ADCY3-related condition. Last evaluated: 2025-10-06. Review status: criteria provided, single submitter. Criteria: ACMG Guidelines, 2015. Collection method: clinical testing. Allele origin: germline.
Comment: This variant is classified as likely benign based on ACMG/AMP sequence variant interpretation guidelines (Richards et al. 2015 PMID: 25741868, with internal and published modifications).